The following is an entry in ClinVar:

NM_032043.3(BRIP1):c.2791_2792delinsAG (p.Pro931Arg)

Gene: BRIP1 (BRCA1 interacting DNA helicase 1; minus strand). Cytogenetic location: 17q23.2.
Variant type: Indel.
Coding change: c.2791_2792delinsAG on transcript NM_032043.3 (MANE Select); coding-DNA positions 2791 to 2792, CC replaced by AG.
Protein change: p.Pro931Arg; replaces proline 931 with arginine.
Molecular consequence: missense variant.
Genome position (GRCh38, 1-based): chr17:61,685,949-61,685,950, GG replaced by CT on the plus strand (CC replaced by AG on the coding strand, the reverse complement: BRIP1 is on the minus strand). VCF-style: chr17-61685949-GG-CT. GRCh37 (hg19) VCF-style: chr17-59763310-GG-CT.
Other names: short protein forms P931R.
Identifiers: ClinVar variation 1796051 (VCV001796051.2), dbSNP rs2544571166, ClinGen allele CA2580094448.

ClinVar aggregate classification (germline): Uncertain significance (1 of 4 stars; one submission).

Conditions:
Hereditary cancer-predisposing syndrome. Also called: Tumor predisposition; Hereditary Cancer Syndrome; Neoplastic Syndromes, Hereditary; Hereditary neoplastic syndrome. Identifiers: Orphanet 140162, MedGen C0027672, MeSH D009386, MONDO:0015356.

Submission:

Ambry Genetics
Classification: Uncertain significance for Hereditary cancer-predisposing syndrome. Last evaluated: 2020-08-09. Review status: criteria provided, single submitter. Criteria: Ambry Variant Classification Scheme 2023. Collection method: clinical testing. Allele origin: germline.
Comment: The c.2791_2792delCCinsAG variant (also known as p.P931R), located in coding exon 18 of the BRIP1 gene, results from an in-frame deletion of CC and insertion of AG at nucleotide positions 2791 to 2792. This results in the substitution of the proline residue for an arginine residue at codon 931, an amino acid with dissimilar properties. This amino acid position is well conserved in available vertebrate species. In addition, the in silico prediction for this alteration is inconclusive (Choi Y et al. PLoS ONE. 2012; 7(10):e46688). Since supporting evidence is limited at this time, the clinical significance of this alteration remains unclear.